The following is an entry in ClinVar:

NM_001277115.2(DNAH11):c.5220_5238del (p.Gln1740fs)

Gene: DNAH11 (dynein axonemal heavy chain 11; plus strand). Cytogenetic location: 7p15.3.
Variant type: Deletion.
Coding change: c.5220_5238del on transcript NM_001277115.2 (MANE Select); coding-DNA positions 5220 to 5238, 19 bases deleted (GGTTGCACTAACCAGCTCA).
Protein change: p.Gln1740fs; shifts the reading frame from glutamine 1740.
Molecular consequence: frameshift variant.
Genome position (GRCh38, 1-based): chr7:21,658,923-21,658,941, GGTTGCACTAACCAGCTCA deleted; deleting any 19 consecutive bases within chr7:21,658,915-21,658,941 gives the same sequence; the c. name uses the placement nearest the transcript's 3' end. VCF-style (leftmost placement, unchanged base first): chr7-21658914-CCCAGCTCAGGTTGCACTAA-C. GRCh37 (hg19) VCF-style: chr7-21698532-CCCAGCTCAGGTTGCACTAA-C.
Other names: short protein forms Q1740fs.
Identifiers: ClinVar variation 3618126 (VCV003618126.4).

ClinVar aggregate classification (germline): Pathogenic/Likely pathogenic. Review status: criteria provided, multiple submitters, no conflicts (2 of 4 stars). 2 submissions from 2 submitters: Pathogenic (1); Likely pathogenic (1). Last evaluated 2025-12-23.

Conditions:
Primary ciliary dyskinesia. Also called: Ciliary dyskinesia. Identifiers: Orphanet 244, MedGen C0008780, MONDO:0016575, HP:0012265.

Submissions (2):

Dasa
Classification: Likely pathogenic. Last evaluated: 2025-12-23. Review status: criteria provided, single submitter. Criteria: DASA Assertion Criteria. Collection method: clinical testing. Allele origin: germline.
Comment: NM_001277115.2(DNAH11):c.5220_5238del (p.Gln1740Hisfs*9) is a frameshift variant in DNAH11 predicted to alter the reading frame and introduce a premature termination codon and is predicted to result in an absent or altered protein product. Loss of function is an established disease mechanism for DNAH11-associated disorders. Also, this variant is rare in population databases. Based on the currently available evidence, this variant is classified as likely pathogenic.

Labcorp Genetics (formerly Invitae), Labcorp
Classification: Pathogenic for Primary ciliary dyskinesia. Last evaluated: 2024-08-31. Review status: criteria provided, single submitter. Criteria: Invitae Variant Classification Sherloc (09022015). Collection method: clinical testing. Allele origin: germline.
Comment: This sequence change creates a premature translational stop signal (p.Gln1740Hisfs*9) in the DNAH11 gene. It is expected to result in an absent or disrupted protein product. Loss-of-function variants in DNAH11 are known to be pathogenic (PMID: 18022865, 20513915, 22184204). This variant is not present in population databases (gnomAD no frequency). This variant has not been reported in the literature in individuals affected with DNAH11-related conditions. For these reasons, this variant has been classified as Pathogenic.

Literature cited by the submitters: PubMed 18022865 (cited by Labcorp Genetics (formerly Invitae), Labcorp); PubMed 20513915 (cited by Labcorp Genetics (formerly Invitae), Labcorp); PubMed 22184204 (cited by Labcorp Genetics (formerly Invitae), Labcorp).